The following is an entry in ClinVar:

ClinVar aggregate classification (germline): Uncertain significance. Review status: criteria provided, multiple submitters, no conflicts (2 of 4 stars). 2 submissions from 2 submitters: Uncertain significance (2). Last evaluated 2022-05-27.

Allele frequency attached by ClinVar (database versions not stated): gnomAD exomes below 0.00001.
gnomAD v4.1: 4 of 1,211,378 alleles (0.00033%); highest among the groups gnomAD compares: Non-Finnish European, 0.00034%; no homozygotes.

Submissions (2):

GeneDx
Classification: Uncertain significance. Last evaluated: 2022-05-27. Review status: criteria provided, single submitter. Criteria: GeneDx Variant Classification Process June 2021. Collection method: clinical testing. Allele origin: germline. Affected: yes.
Comment: Not observed at significant frequency in large population cohorts (gnomAD); In silico analysis supports that this missense variant has a deleterious effect on protein structure/function; Has not been previously published as pathogenic or benign to our knowledge

Blueprint Genetics
Classification: Uncertain significance. Last evaluated: 2020-06-08. Review status: criteria provided, single submitter. Criteria: ACMG Guidelines, 2015. Collection method: clinical testing. Allele origin: germline.

NM_001008537.3(NEXMIF):c.3149C>T (p.Thr1050Ile)

Gene: NEXMIF (neurite extension and migration factor; minus strand). Cytogenetic location: Xq13.3.
Variant type: single nucleotide variant.
Coding change: c.3149C>T on transcript NM_001008537.3 (MANE Select); coding-DNA position 3149, C replaced by T.
Protein change: p.Thr1050Ile; replaces threonine 1050 with isoleucine.
Molecular consequence: missense variant.
Genome position (GRCh38, 1-based): chrX:74,741,408, G>A on the plus strand (C>T on the coding strand, the complement: NEXMIF is on the minus strand). VCF-style: chrX-74741408-G-A. GRCh37 (hg19) VCF-style: chrX-73961243-G-A.
Other names: short protein forms T1050I.
Identifiers: ClinVar variation 1801201 (VCV001801201.2), dbSNP rs2519912743, ClinGen allele CA413666600.